The following is an entry in ClinVar:

NM_001379270.1(CNGA1):c.179G>T (p.Gly60Val)

Genes: CNGA1 (cyclic nucleotide gated channel subunit alpha 1; minus strand), LOC101927157 (uncharacterized LOC101927157; plus strand). Cytogenetic location: 4p12.
Variant type: single nucleotide variant.
Coding change: c.179G>T on transcript NM_001379270.1 (MANE Select); coding-DNA position 179, G replaced by T.
Protein change: p.Gly60Val; replaces glycine 60 with valine.
Molecular consequence: missense variant.
Genome position (GRCh38, 1-based): chr4:47,951,398, C>A on the plus strand (G>T on the coding strand, the complement: CNGA1 is on the minus strand). VCF-style: chr4-47951398-C-A. GRCh37 (hg19) VCF-style: chr4-47953415-C-A.
Other names: c.179G>T, p.Gly60Val (NM_000087.5, NM_001142564.2); short protein forms G60V.
Identifiers: ClinVar variation 197626 (VCV000197626.18), dbSNP rs201031527, ClinGen allele CA245890.
Genomic context (GRCh38, chr4:47,951,398, plus strand): 5'-GATCATACTGCTCACCTCTGTGATGGTCCTCCCTTTCTGAGTGACTTATAACTAAAGGAA[C>A]CCCTTGCATGAGGGTTTTCATTCTCTGATTCTTCAGATGTAGAGGCACTGTCATCATCCT-3'
Protein context (NP_001366199.1, residues 50-70): ESENENPHAR[Gly60Val]SFSYKSLRKG

ClinVar aggregate classification (germline): Conflicting classifications of pathogenicity. Review status: criteria provided, conflicting classifications (1 of 4 stars). 7 submissions from 7 submitters: Uncertain significance (6); Likely benign (1). Last evaluated 2024-11-23.

Conditions:
Inborn genetic diseases. Identifiers: MedGen C0950123, MeSH D030342.
Retinitis pigmentosa (RP). Identifiers: Orphanet 791, MedGen C0035334, MeSH D012174, MONDO:0019200, OMIM 268000. Inheritance: Autosomal dominant, autosomal recessive and X linked inheritance.

Allele frequency attached by ClinVar (database versions not stated): ESP Exome Variant Server 0.00008; gnomAD 0.00029 and 0.00030; ExAC 0.00038; TOPMed 0.00041.
gnomAD v4.1: 435 of 1,613,714 alleles (0.027%); highest among the groups gnomAD compares: Middle Eastern, 0.099%; no homozygotes.

Submissions (7):

Blueprint Genetics
Classification: Likely benign. Last evaluated: 2024-11-23. Review status: criteria provided, single submitter. Criteria: ACMG Guidelines, 2015. Collection method: clinical testing. Allele origin: germline.

Ambry Genetics
Classification: Uncertain significance for Inborn genetic diseases. Last evaluated: 2024-05-08. Review status: criteria provided, single submitter. Criteria: Ambry Variant Classification Scheme 2023. Collection method: clinical testing. Allele origin: germline.

GeneDx
Classification: Uncertain significance. Last evaluated: 2024-03-16. Review status: criteria provided, single submitter. Criteria: GeneDx Variant Classification Process June 2021. Collection method: clinical testing. Allele origin: germline. Affected: yes.
Comment: Observed in the heterozygous state in a patient with retinal or macular dystrophy in the published literature (Nespeca thesis, 2018); In silico analysis supports that this missense variant has a deleterious effect on protein structure/function; This variant is associated with the following publications: (PMID: Nespeca[thesis]2018)

Labcorp Genetics (formerly Invitae), Labcorp
Classification: Uncertain significance. Last evaluated: 2022-11-01. Review status: criteria provided, single submitter. Criteria: Invitae Variant Classification Sherloc (09022015). Collection method: clinical testing. Allele origin: germline.
Comment: This sequence change replaces glycine, which is neutral and non-polar, with valine, which is neutral and non-polar, at codon 64 of the CNGA1 protein (p.Gly64Val). This variant is present in population databases (rs201031527, gnomAD 0.05%). This variant has not been reported in the literature in individuals affected with CNGA1-related conditions. ClinVar contains an entry for this variant (Variation ID: 197626). Algorithms developed to predict the effect of missense changes on protein structure and function (SIFT, PolyPhen-2, Align-GVGD) all suggest that this variant is likely to be tolerated. In summary, the available evidence is currently insufficient to determine the role of this variant in disease. Therefore, it has been classified as a Variant of Uncertain Significance.

Illumina Laboratory Services, Illumina
Classification: Uncertain significance for Retinitis pigmentosa. Last evaluated: 2018-01-12. Review status: criteria provided, single submitter. Criteria: ICSL Variant Classification Criteria 13 December 2019. Collection method: clinical testing. Allele origin: germline.

Eurofins Ntd Llc (ga)
Classification: Uncertain significance. Last evaluated: 2014-12-17. Review status: criteria provided, single submitter. Criteria: EGL Classification Definitions 2015. Collection method: clinical testing. Allele origin: germline. Observed: 2 variant alleles, 2 heterozygotes.

Breakthrough Genomics
Classification: Uncertain significance. Review status: criteria provided, single submitter. Criteria: ACMG Guidelines, 2015. Collection method: not provided. Allele origin: germline. Inheritance: Unknown mechanism. Affected: yes.